The following is an entry in ClinVar:

NM_015662.3(IFT172):c.3144_3152del (p.Glu1049_His1051del)

Gene: IFT172 (intraflagellar transport 172; minus strand). Cytogenetic location: 2p23.3.
Variant type: Deletion.
Coding change: c.3144_3152del on transcript NM_015662.3 (MANE Select); coding-DNA positions 3144 to 3152, 9 bases deleted (TGAGTACCA; older notation c.3144_3152delTGAGTACCA).
Protein change: p.Glu1049_His1051del.
Molecular consequence: inframe deletion.
Genome position (GRCh38, 1-based): chr2:27,457,715-27,457,723, TGGTACTCA deleted on the plus strand (TGAGTACCA on the coding strand, the reverse complement: IFT172 is on the minus strand). VCF-style (leftmost placement, unchanged base first): chr2-27457714-GTGGTACTCA-G. GRCh37 (hg19) VCF-style: chr2-27680581-GTGGTACTCA-G.
Identifiers: ClinVar variation 1297164 (VCV001297164.2), dbSNP rs2148496996, ClinGen allele CA2499215849.

ClinVar aggregate classification (germline): Uncertain significance (1 of 4 stars; one submission).

Conditions:
Retinitis pigmentosa (RP). Identifiers: Orphanet 791, MedGen C0035334, MeSH D012174, MONDO:0019200, OMIM 268000. Inheritance: Autosomal dominant, autosomal recessive and X linked inheritance.

Submission:

Broad Center for Mendelian Genomics, Broad Institute of MIT and Harvard
Classification: Uncertain significance for Retinitis pigmentosa. Last evaluated: 2021-04-01. Review status: criteria provided, single submitter. Criteria: ACMG Guidelines, 2015. Collection method: curation. Allele origin: germline. Inheritance: Autosomal recessive inheritance. Affected: yes.
Comment: Through a review of available evidence we were able to apply the following criteria: PM2, PM4, PM3-P. Based on this evidence we have classified this variant as a Variant of Uncertain Significance. If you have any questions about the classification please reach out to the Pierce Lab.

Literature cited by the submitters: PubMed 34906470.